The following is an entry in ClinVar:

NM_005901.6(SMAD2):c.1123A>C (p.Lys375Gln)

Gene: SMAD2 (SMAD family member 2; minus strand). Cytogenetic location: 18q21.1.
Variant type: single nucleotide variant.
Coding change: c.1123A>C on transcript NM_005901.6 (MANE Select); coding-DNA position 1123, A replaced by C.
Protein change: p.Lys375Gln; replaces lysine 375 with glutamine.
Molecular consequence: missense variant.
Genome position (GRCh38, 1-based): chr18:47,845,675, T>G on the plus strand (A>C on the coding strand, the complement: SMAD2 is on the minus strand). VCF-style: chr18-47845675-T-G. GRCh37 (hg19) VCF-style: chr18-45372046-T-G.
Other names: c.1123A>C, p.Lys375Gln (NM_001003652.4); c.1033A>C, p.Lys345Gln (NM_001135937.3); short protein forms K345Q, K375Q.
Identifiers: ClinVar variation 4075674 (VCV004075674.2).
Genomic context (GRCh38, chr18:47,845,675, plus strand): 5'-ACTAAGCAAGTTGACATGATAGGTTTATGTACATTATTGAATCCATACCTGGTGGAATTT[T>G]ACACACTGTTGCAGGGTGCCAGCCATATCTCTGATTACAATTGGGGCTCTGCACAAAGAT-3'
Protein context (NP_005892.1, residues 365-385): RYGWHPATVC[Lys375Gln]IPPGCNLKIF

ClinVar aggregate classification (germline): Uncertain significance. Review status: criteria provided, multiple submitters, no conflicts (2 of 4 stars). 2 submissions from 2 submitters: Uncertain significance (2). Last evaluated 2025-03-04.

Conditions:
SMAD2-related disorder. Also called: SMAD2-related condition; SMAD2-related disorders.

Submissions (2):

PreventionGenetics, part of Exact Sciences
Classification: Uncertain significance for SMAD2-related condition. Last evaluated: 2025-03-04. Review status: criteria provided, single submitter. Criteria: ACMG Guidelines, 2015. Collection method: clinical testing. Allele origin: germline.
Comment: The SMAD2 c.1123A>C variant is predicted to result in the amino acid substitution p.Lys375Gln. To our knowledge, this variant has not been reported in the literature or in a large population database (gnomAD), indicating this variant is rare. Although we suspect that this variant may be pathogenic, at this time, the clinical significance of this variant is uncertain due to the absence of conclusive functional and genetic evidence.

GeneDx
Classification: Uncertain significance. Last evaluated: 2025-02-12. Review status: criteria provided, single submitter. Criteria: GeneDx Variant Classification Process June 2021. Collection method: clinical testing. Allele origin: germline. Affected: yes.
Comment: Not observed at significant frequency in large population cohorts (gnomAD); In silico analysis supports that this missense variant has a deleterious effect on protein structure/function; Has not been previously published as pathogenic or benign to our knowledge